The following is an entry in ClinVar:

NM_001254.4(CDC6):c.1397G>A (p.Cys466Tyr)

Gene: CDC6 (cell division cycle 6; plus strand). Cytogenetic location: 17q21.2.
Variant type: single nucleotide variant.
Coding change: c.1397G>A on transcript NM_001254.4 (MANE Select); coding-DNA position 1397, G replaced by A.
Protein change: p.Cys466Tyr; replaces cysteine 466 with tyrosine.
Molecular consequence: missense variant.
Genome position (GRCh38, 1-based): chr17:40,300,975, G>A. VCF-style: chr17-40300975-G-A. GRCh37 (hg19) VCF-style: chr17-38457227-G-A.
Other names: short protein forms C466Y.
Identifiers: ClinVar variation 2769129 (VCV002769129.3), dbSNP rs2544147073, ClinGen allele CA399335722.

ClinVar aggregate classification (germline): Uncertain significance (1 of 4 stars; one submission).

Submission:

Labcorp Genetics (formerly Invitae), Labcorp
Classification: Uncertain significance. Last evaluated: 2024-10-24. Review status: criteria provided, single submitter. Criteria: Invitae Variant Classification Sherloc (09022015). Collection method: clinical testing. Allele origin: germline.
Comment: This sequence change replaces cysteine, which is neutral and slightly polar, with tyrosine, which is neutral and polar, at codon 466 of the CDC6 protein (p.Cys466Tyr). This variant is not present in population databases (gnomAD no frequency). This variant has not been reported in the literature in individuals affected with CDC6-related conditions. An algorithm developed to predict the effect of missense changes on protein structure and function (PolyPhen-2) suggests that this variant is likely to be disruptive. In summary, the available evidence is currently insufficient to determine the role of this variant in disease. Therefore, it has been classified as a Variant of Uncertain Significance.